The following is an entry in ClinVar:

ClinVar aggregate classification (germline): Pathogenic (1 of 4 stars; one submission).

Allele frequency attached by ClinVar (database versions not stated): gnomAD exomes below 0.00001.
gnomAD v4.1: 1 of 1,599,198 alleles (0.000063%); highest among the groups gnomAD compares: Non-Finnish European, 0.000086%; no homozygotes.

Submission:

Labcorp Genetics (formerly Invitae), Labcorp
Classification: Pathogenic. Last evaluated: 2025-04-16. Review status: criteria provided, single submitter. Criteria: Invitae Variant Classification Sherloc (09022015). Collection method: clinical testing. Allele origin: germline.
Comment: This sequence change affects a donor splice site in intron 8 of the OPA1 gene. It is expected to disrupt RNA splicing. Variants that disrupt the donor or acceptor splice site typically lead to a loss of protein function (PMID: 16199547), and loss-of-function variants in OPA1 are known to be pathogenic (PMID: 11440988, 20157015, 20952381, 25012220). This variant is not present in population databases (gnomAD no frequency). Disruption of this splice site has been observed in individuals with dominant optical atrophy (PMID: 33884488, 34242285). ClinVar contains an entry for this variant (Variation ID: 2203475). Algorithms developed to predict the effect of sequence changes on RNA splicing suggest that this variant may disrupt the consensus splice site. For these reasons, this variant has been classified as Pathogenic.

Literature cited by the submitters: PubMed 16199547; PubMed 11440988; PubMed 20157015; PubMed 20952381; PubMed 25012220; PubMed 33884488; PubMed 34242285.

NM_130837.3(OPA1):c.1035+1G>T

Gene: OPA1 (OPA1 mitochondrial dynamin like GTPase; plus strand). Cytogenetic location: 3q29.
Variant type: single nucleotide variant.
Coding change: c.1035+1G>T on transcript NM_130837.3 (MANE Select); the canonical splice donor site of the intron after coding-DNA position 1035, G replaced by T.
Molecular consequence: splice donor variant.
Genome position (GRCh38, 1-based): chr3:193,637,282, G>T. VCF-style: chr3-193637282-G-T. GRCh37 (hg19) VCF-style: chr3-193355071-G-T.
Other names: c.498+1G>T (NM_001354664.2); c.501+1G>T (NM_001354663.2); c.924+1G>T (NM_130834.3); c.981+1G>T (NM_130836.3); c.870+1G>T (NM_015560.3); c.927+1G>T (NM_130835.3); c.816+1G>T (NM_130832.3); c.873+1G>T (NM_130833.3); and 1 more.
Identifiers: ClinVar variation 2203475 (VCV002203475.4), dbSNP rs727504059, ClinGen allele CA355788105.